The following is an entry in ClinVar:

ClinVar aggregate classification (germline): Uncertain significance. Review status: criteria provided, single submitter (1 of 4 stars). 2 submissions from 2 submitters: Uncertain significance (1). 1 of the submissions does not count toward it. Last evaluated 2026-01-07.

Conditions:
Dyskeratosis congenita, autosomal recessive 5 (DKCB5). Identifiers: MedGen C3554656, MONDO:0014076, OMIM 615190.
Pulmonary fibrosis and/or bone marrow failure, Telomere-related, 3. Also called: PULMONARY FIBROSIS AND/OR BONE MARROW FAILURE SYNDROME, TELOMERE-RELATED, 3. Identifiers: Orphanet 2032, MedGen C4225346, MONDO:0014613, OMIM 616373.

Allele frequency attached by ClinVar (database versions not stated): TOPMed 0.00001.

Submissions (2):

Labcorp Genetics (formerly Invitae), Labcorp
Classification: Uncertain significance for Dyskeratosis congenita, autosomal recessive 5; Pulmonary fibrosis and/or bone marrow failure, Telomere-related, 3. Last evaluated: 2026-01-07. Review status: criteria provided, single submitter. Criteria: Invitae Variant Classification Sherloc (09022015). Collection method: clinical testing. Allele origin: germline.
Comment: This sequence change replaces glycine, which is neutral and non-polar, with arginine, which is basic and polar, at codon 679 of the RTEL1 protein (p.Gly679Arg). This variant is not present in population databases (gnomAD no frequency). This missense change has been observed in individual(s) with idiopathic pulmonary fibrosis (PMID: 28099038). This variant is also known as p.G703R. ClinVar contains an entry for this variant (Variation ID: 555383). An algorithm developed to predict the effect of missense changes on protein structure and function (PolyPhen-2) suggests that this variant is likely to be disruptive. Algorithms developed to predict the effect of sequence changes on RNA splicing suggest that this variant may create or strengthen a splice site. In summary, the available evidence is currently insufficient to determine the role of this variant in disease. Therefore, it has been classified as a Variant of Uncertain Significance.

Counsyl
Classification: Uncertain significance for Dyskeratosis congenita, autosomal recessive 5. Last evaluated: 2017-12-04. Review status: no assertion criteria provided. Collection method: clinical testing. Allele origin: unknown. Not counted in ClinVar's aggregate classification.

Literature cited by the submitters: PubMed 28099038 (cited by Labcorp Genetics (formerly Invitae), Labcorp and Counsyl).

NM_001283009.2(RTEL1):c.2035G>A (p.Gly679Arg)

Genes: RTEL1 (regulator of telomere elongation helicase 1; plus strand), RTEL1-TNFRSF6B (RTEL1-TNFRSF6B readthrough (NMD candidate); plus strand). Cytogenetic location: 20q13.33.
Variant type: single nucleotide variant.
Coding change: c.2035G>A on transcript NM_001283009.2 (MANE Select); coding-DNA position 2035, G replaced by A.
Protein change: p.Gly679Arg; replaces glycine 679 with arginine.
Molecular consequence: missense variant. On other transcripts: non-coding transcript variant (1).
Genome position (GRCh38, 1-based): chr20:63,689,759, G>A. VCF-style: chr20-63689759-G-A. GRCh37 (hg19) VCF-style: chr20-62321112-G-A.
Other names: c.1366G>A, p.Gly456Arg (NM_001283010.1); c.2035G>A, p.Gly679Arg (NM_016434.4); c.2107G>A, p.Gly703Arg (NM_032957.5); short protein forms G679R, G703R, G456R.
Identifiers: ClinVar variation 555383 (VCV000555383.9), dbSNP rs1229240096, ClinGen allele CA409678996.